The following is an entry in ClinVar:

NM_012452.3(TNFRSF13B):c.453_454delinsAA (p.Gly152Arg)

Gene: TNFRSF13B (TNF receptor superfamily member 13B; minus strand). Cytogenetic location: 17p11.2.
Variant type: Indel.
Coding change: c.453_454delinsAA on transcript NM_012452.3 (MANE Select); coding-DNA positions 453 to 454, GG replaced by AA.
Protein change: p.Gly152Arg; replaces glycine 152 with arginine.
Molecular consequence: missense variant.
Genome position (GRCh38, 1-based): chr17:16,940,503-16,940,504, CC replaced by TT on the plus strand (GG replaced by AA on the coding strand, the reverse complement: TNFRSF13B is on the minus strand). VCF-style: chr17-16940503-CC-TT. GRCh37 (hg19) VCF-style: chr17-16843817-CC-TT.
Other names: c.453_454delGGinsAA, p.Gly152Arg (NM_012452.2); short protein forms G152R.
Identifiers: ClinVar variation 4082530 (VCV004082530.2).

ClinVar aggregate classification (germline): Uncertain significance (1 of 4 stars; one submission).

Submission:

Genetic Services Laboratory, University of Chicago
Classification: Uncertain significance. Last evaluated: 2024-03-18. Review status: criteria provided, single submitter. Criteria: ACMG Guidelines, 2015. Collection method: clinical testing. Allele origin: germline. Affected: no.
Comment: DNA sequence analysis of the TNFRSF13B gene demonstrated a deletion and insertion of 2 base pairs in exon 4, c.453_454delinsAA. This in-frame deletion/insertion is predicted to result in a missense change, p.Gly152Arg. This sequence change does not appear to have been previously described in individuals with TNFRSF13B-related disorders and has also not been described in the population databases such as ExAC and gnomAD. The p.Gly152Arg change affects a moderately conserved amino acid residue located in a domain of the TNFRSF13B protein that is not known to be functional. In-silico pathogenicity prediction tools (SIFT, PolyPhen2, Align GVGD, REVEL) provide contradictory results for the p.Gly152Arg substitution. Due to insufficient evidence and the lack of functional studies, the clinical significance of the p.Gly152Arg change remains unknown at this time